The following is an entry in ClinVar:

ClinVar aggregate classification (germline): Likely pathogenic. Review status: criteria provided, single submitter (1 of 4 stars). 2 submissions from 2 submitters: Likely pathogenic (1). 1 of the submissions does not count toward it. Last evaluated 2024-06-07.

Conditions:
Mucopolysaccharidosis, MPS-II (MPS2). Also called: Mucopolysaccharidosis type 2; Mucopolysaccharidosis Type II; Attenuated MPS (subtype; formerly known as mild MPS II); Severe MPS II; I2S deficiency; MPS 2. Identifiers: Orphanet 580, Orphanet 79388, MedGen C0026705, MONDO:0010674, OMIM 309900.

Submissions (2):

Laboratory of Diagnosis and Therapy of Lysosomal Disorders, University of Padova
Classification: Likely pathogenic for Mucopolysaccharidosis, MPS-II. Last evaluated: 2024-06-07. Review status: criteria provided, single submitter. Criteria: ACMG Guidelines, 2015. Collection method: literature only. Allele origin: germline. Affected: yes. Observed: 1 variant allele.
Comment: Absent from controls (or at low frequency) in gnomAD database (PM2_Moderate), Missense variant in a gene with a low rate of benign missense variation (PP2_Supporting), Patient’s phenotype or family history highly specific for the disease (PP4_Strong), Multiple lines of computational evidence suggest no impact on gene or gene product (BP4_Supporting)

Classification method: ACMG Guidelines [PMID:25741868] with modifications

Sharon lab, Hadassah-Hebrew University Medical Center
Classification: Likely pathogenic for Hunter Syndrome. Last evaluated: 2019-06-23. Review status: no assertion criteria provided. Collection method: research. Allele origin: inherited. Affected: yes. Not counted in ClinVar's aggregate classification.

Literature cited by the submitters: PubMed 31456290 (cited by Laboratory of Diagnosis and Therapy of Lysosomal Disorders, University of Padova).

NM_000202.8(IDS):c.1142T>G (p.Leu381Arg)

Genes: IDS (iduronate 2-sulfatase; minus strand), LOC106050102 (IDS recombination region; plus strand). Cytogenetic location: Xq28.
Variant type: single nucleotide variant.
Coding change: c.1142T>G on transcript NM_000202.8 (MANE Select); coding-DNA position 1142, T replaced by G.
Protein change: p.Leu381Arg; replaces leucine 381 with arginine.
Molecular consequence: missense variant.
Genome position (GRCh38, 1-based): chrX:149,486,963, A>C on the plus strand (T>G on the coding strand, the complement: IDS is on the minus strand). VCF-style: chrX-149486963-A-C. GRCh37 (hg19) VCF-style: chrX-148568494-A-C.
Other names: c.872T>G, p.Leu291Arg (NM_001166550.4); short protein forms L291R, L381R.
Identifiers: ClinVar variation 812333 (VCV000812333.3), dbSNP rs1602730439, ClinGen allele CA414518744.